The following is an entry in ClinVar:

ClinVar aggregate classification (germline): Pathogenic (1 of 4 stars; one submission).

Conditions:
Hyperinsulinemic hypoglycemia, familial, 1 (HHF1). Also called: HYPERINSULINISM, FAMILIAL, WITH PANCREATIC NESIDIOBLASTOSIS; HYPOGLYCEMIA, HYPERINSULINEMIC, OF INFANCY; NESIDIOBLASTOSIS OF PANCREAS; Persistent Hyperinsulinemia Hypoglycemia of Infancy; Persistent hyperinsulinemic hypoglycemia of infancy. Identifiers: Orphanet 276575, Orphanet 276598, MedGen C2931832, MONDO:0009734, OMIM 256450.

Submission:

Myriad Genetics, Inc.
Classification: Pathogenic for Hyperinsulinemic hypoglycemia, familial, 1. Last evaluated: 2024-11-05. Review status: criteria provided, single submitter. Criteria: Myriad Autosomal Dominant, Autosomal Recessive and X-Linked Classification Criteria (2023). Collection method: clinical testing. Allele origin: unknown.
Comment: NM_000352.3(ABCC8):c.3020_3029del10(A1007Gfs*32) is expected to be pathogenic in the context of familial hyperinsulinism, ABCC8-related. This variant is predicted to lead to an abnormal or absent protein product due to the creation of a premature termination codon in ABCC8, a gene where loss-of-function variants are known to be pathogenic. Please note: this variant was assessed in the context of healthy population screening.

NM_000352.6(ABCC8):c.3020_3029del (p.Ala1007fs)

Gene: ABCC8 (ATP binding cassette subfamily C member 8; minus strand). Cytogenetic location: 11p15.1.
Variant type: Deletion.
Coding change: c.3020_3029del on transcript NM_000352.6 (MANE Select); coding-DNA positions 3020 to 3029, 10 bases deleted (CCGGCATCCT; older notation c.3020_3029delCCGGCATCCT).
Protein change: p.Ala1007fs; shifts the reading frame from alanine 1007.
Molecular consequence: frameshift variant. On other transcripts: non-coding transcript variant (1).
Genome position (GRCh38, 1-based): chr11:17,407,021-17,407,030, AGGATGCCGG deleted on the plus strand (CCGGCATCCT on the coding strand, the reverse complement: ABCC8 is on the minus strand). VCF-style (leftmost placement, unchanged base first): chr11-17407020-CAGGATGCCGG-C. GRCh37 (hg19) VCF-style: chr11-17428567-CAGGATGCCGG-C.
Other names: c.3023_3032del, p.Ala1008fs (NM_001287174.3); c.3086_3095del, p.Ala1029fs (NM_001351295.2); c.3020_3029del, p.Ala1007fs (NM_001351296.2); c.3017_3026del, p.Ala1006fs (NM_001351297.2); short protein forms A1006fs, A1007fs, A1008fs, A1029fs.
Identifiers: ClinVar variation 5013709 (VCV005013709.1).